The following is an entry in ClinVar:

NM_170606.3(KMT2C):c.13517A>G (p.His4506Arg)

Gene: KMT2C (lysine methyltransferase 2C; minus strand). Cytogenetic location: 7q36.1.
Variant type: single nucleotide variant.
Coding change: c.13517A>G on transcript NM_170606.3 (MANE Select); coding-DNA position 13517, A replaced by G.
Protein change: p.His4506Arg; replaces histidine 4506 with arginine.
Molecular consequence: missense variant.
Genome position (GRCh38, 1-based): chr7:152,148,410, T>C on the plus strand (A>G on the coding strand, the complement: KMT2C is on the minus strand). VCF-style: chr7-152148410-T-C. GRCh37 (hg19) VCF-style: chr7-151845495-T-C.
Other names: short protein forms H4506R.
Identifiers: ClinVar variation 4819117 (VCV004819117.1).

ClinVar aggregate classification (germline): Uncertain significance (1 of 4 stars; one submission).

Conditions:
Kleefstra syndrome 2 (KLEFS2). Identifiers: MedGen C4540395, MONDO:0054701, OMIM 617768.

Submission:

Institute of Human Genetics, University of Leipzig Medical Center
Classification: Uncertain significance for Kleefstra syndrome 2. Last evaluated: 2026-01-20. Review status: criteria provided, single submitter. Criteria: ACMG Guidelines, 2015. Collection method: clinical testing. Allele origin: unknown. Inheritance: Autosomal dominant inheritance. Affected: yes.
Comment: Criteria applied: PM2,PM1_SUP,PP2,PP3